The following is an entry in ClinVar:

NM_001319074.4(RAX2):c.14C>T (p.Pro5Leu)

Gene: RAX2 (retina and anterior neural fold homeobox 2; minus strand). Cytogenetic location: 19p13.3.
Variant type: single nucleotide variant.
Coding change: c.14C>T on transcript NM_001319074.4 (MANE Select); coding-DNA position 14, C replaced by T.
Protein change: p.Pro5Leu; replaces proline 5 with leucine.
Molecular consequence: missense variant.
Genome position (GRCh38, 1-based): chr19:3,771,729, G>A on the plus strand (C>T on the coding strand, the complement: RAX2 is on the minus strand). VCF-style: chr19-3771729-G-A. GRCh37 (hg19) VCF-style: chr19-3771727-G-A.
Other names: c.14C>T, p.Pro5Leu (NM_032753.4); short protein forms P5L.
Identifiers: ClinVar variation 2295748 (VCV002295748.6), dbSNP rs144065007, ClinGen allele CA9085146.
Genomic context (GRCh38, chr19:3,771,729, plus strand): 5'-TTCTTGGGGGCCTCCTCGCCCGGCCCCAGACCCCCACCCTCGGTTGCCGGCCCCTCGCCC[G>A]GGCTCAGGAACATGGCTCCCACCTGGTGGGACGGCAGCGGGACAGATGGTGGGGAGACGG-3'
Protein context (NP_001306003.2, residues 1-15): MFLS[Pro5Leu]GEGPATEGGG

ClinVar aggregate classification (germline): Uncertain significance. Review status: criteria provided, multiple submitters, no conflicts (2 of 4 stars). 3 submissions from 3 submitters: Uncertain significance (3). Last evaluated 2025-11-11.

Conditions:
RAX2-related disorder. Also called: RAX2-related disorders; RAX2-related condition.

Allele frequency attached by ClinVar (database versions not stated): gnomAD exomes 0.00001; ExAC 0.00002; TOPMed 0.00005; ESP Exome Variant Server 0.00008.

Submissions (3):

PreventionGenetics, part of Exact Sciences
Classification: Uncertain significance for RAX2-related condition. Last evaluated: 2025-11-11. Review status: criteria provided, single submitter. Criteria: ACMG Guidelines, 2015. Collection method: clinical testing. Allele origin: germline.
Comment: The RAX2 c.14C>T variant is predicted to result in the amino acid substitution p.Pro5Leu. To our knowledge, this variant has not been reported in the literature. This variant is reported in 0.0025% of alleles in individuals of European (Non-Finnish) descent in gnomAD. At this time, the clinical significance of this variant is uncertain due to the absence of conclusive functional and genetic evidence.

Ambry Genetics
Classification: Uncertain significance. Last evaluated: 2025-03-22. Review status: criteria provided, single submitter. Criteria: Ambry Variant Classification Scheme 2023. Collection method: clinical testing. Allele origin: germline.

Labcorp Genetics (formerly Invitae), Labcorp
Classification: Uncertain significance. Last evaluated: 2022-12-05. Review status: criteria provided, single submitter. Criteria: Invitae Variant Classification Sherloc (09022015). Collection method: clinical testing. Allele origin: germline.
Comment: In summary, the available evidence is currently insufficient to determine the role of this variant in disease. Therefore, it has been classified as a Variant of Uncertain Significance. This sequence change replaces proline, which is neutral and non-polar, with leucine, which is neutral and non-polar, at codon 5 of the RAX2 protein (p.Pro5Leu). The frequency data for this variant in the population databases is considered unreliable, as metrics indicate poor data quality at this position in the gnomAD database. This variant has not been reported in the literature in individuals affected with RAX2-related conditions. Algorithms developed to predict the effect of missense changes on protein structure and function output the following: SIFT: "Deleterious"; PolyPhen-2: "Benign"; Align-GVGD: "Class C65". The leucine amino acid residue is found in multiple mammalian species, which suggests that this missense change does not adversely affect protein function.